The following is an entry in ClinVar:

NM_015329.4(MAU2):c.11A>G (p.Gln4Arg)

Gene: MAU2 (MAU2 sister chromatid cohesion factor; plus strand). Cytogenetic location: 19p13.11.
Variant type: single nucleotide variant.
Coding change: c.11A>G on transcript NM_015329.4 (MANE Select); coding-DNA position 11, A replaced by G.
Protein change: p.Gln4Arg; replaces glutamine 4 with arginine.
Molecular consequence: missense variant.
Genome position (GRCh38, 1-based): chr19:19,320,870, A>G. VCF-style: chr19-19320870-A-G. GRCh37 (hg19) VCF-style: chr19-19431679-A-G.
Other names: short protein forms Q4R.
Identifiers: ClinVar variation 3677327 (VCV003677327.2).
Genomic context (GRCh38, chr19:19,320,870, plus strand): 5'-CGCCTGCTTCCGCCTCCCTGTGGCGGCGGCTTGTTGTTGTGGAGGCCAAAATGGCGGCTC[A>G]GGCGGCGGCAGCGGCCCAGGCGGCGGCGGCCCAGGCTGCGCAGGCCGAGGCGGCCGACTC-3'
Protein context (NP_056144.3, residues 1-14): MAA[Gln4Arg]AAAAAQAAAA

ClinVar aggregate classification (germline): Uncertain significance (1 of 4 stars; one submission).

gnomAD v4.1: 1 of 1,518,152 alleles (0.000066%); highest among the groups gnomAD compares: African/African-American, 0.0014%; no homozygotes.

Submission:

Labcorp Genetics (formerly Invitae), Labcorp
Classification: Uncertain significance. Last evaluated: 2024-03-02. Review status: criteria provided, single submitter. Criteria: Invitae Variant Classification Sherloc (09022015). Collection method: clinical testing. Allele origin: germline.
Comment: This sequence change replaces glutamine, which is neutral and polar, with arginine, which is basic and polar, at codon 4 of the MAU2 protein (p.Gln4Arg). The frequency data for this variant in the population databases is considered unreliable, as metrics indicate poor data quality at this position in the gnomAD database. This variant has not been reported in the literature in individuals affected with MAU2-related conditions. Experimental studies and prediction algorithms are not available or were not evaluated, and the functional significance of this variant is currently unknown. In summary, the available evidence is currently insufficient to determine the role of this variant in disease. Therefore, it has been classified as a Variant of Uncertain Significance.